The following is an entry in ClinVar:

NM_001365999.1(SZT2):c.4082G>C (p.Gly1361Ala)

Gene: SZT2 (SZT2 subunit of KICSTOR complex; plus strand). Cytogenetic location: 1p34.2.
Variant type: single nucleotide variant.
Coding change: c.4082G>C on transcript NM_001365999.1 (MANE Select); coding-DNA position 4082, G replaced by C.
Protein change: p.Gly1361Ala; replaces glycine 1361 with alanine.
Molecular consequence: missense variant.
Genome position (GRCh38, 1-based): chr1:43,428,402, G>C. VCF-style: chr1-43428402-G-C. GRCh37 (hg19) VCF-style: chr1-43894073-G-C.
Other names: c.3911G>C, p.Gly1304Ala (NM_015284.4); short protein forms G1361A, G1304A.
Identifiers: ClinVar variation 1040562 (VCV001040562.10), dbSNP rs368917857, ClinGen allele CA809178.
Genomic context (GRCh38, chr1:43,428,402, plus strand): 5'-CATTTCTCCTTGCATTGTGTGGCCACACTTGGGGTTTGCCTCATGCACCCCCAAGTCCTG[G>C]TCCTCTCAGCCCTGGGCCCTTCAGCAGCAGCATGGAGGAGGGTGCTGAACCTCGGGAACG-3'
Protein context (NP_001352928.1, residues 1351-1371): WGLPHAPPSP[Gly1361Ala]PLSPGPFSSS

ClinVar aggregate classification (germline): Uncertain significance. Review status: criteria provided, multiple submitters, no conflicts (2 of 4 stars). 4 submissions from 4 submitters: Uncertain significance (4). Last evaluated 2025-11-24.

Conditions:
Developmental and epileptic encephalopathy, 18 (DEE18). Also called: Early infantile epileptic encephalopathy 18. Identifiers: Orphanet 369894, MedGen C3809624, MONDO:0014201, OMIM 615476.
Inborn genetic diseases. Identifiers: MedGen C0950123, MeSH D030342.

Allele frequency attached by ClinVar (database versions not stated): ExAC 0.00002; gnomAD exomes 0.00001 and 0.00002; gnomAD 0.00005; TOPMed 0.00011; ESP Exome Variant Server 0.00008.
gnomAD v4.1: 13 of 1,614,002 alleles (0.00081%); highest among the groups gnomAD compares: African/African-American, 0.012%; no homozygotes.

Submissions (4):

Ambry Genetics
Classification: Uncertain significance for Inborn genetic diseases. Last evaluated: 2025-11-24. Review status: criteria provided, single submitter. Criteria: Ambry Variant Classification Scheme 2023. Collection method: clinical testing. Allele origin: germline.

GeneDx
Classification: Uncertain significance. Last evaluated: 2024-10-23. Review status: criteria provided, single submitter. Criteria: GeneDx Variant Classification Process June 2021. Collection method: clinical testing. Allele origin: germline. Affected: yes.
Comment: Not observed at significant frequency in large population cohorts (gnomAD); In silico analysis indicates that this missense variant does not alter protein structure/function; Has not been previously published as pathogenic or benign to our knowledge

Labcorp Genetics (formerly Invitae), Labcorp
Classification: Uncertain significance. Last evaluated: 2023-12-07. Review status: criteria provided, single submitter. Criteria: Invitae Variant Classification Sherloc (09022015). Collection method: clinical testing. Allele origin: germline.
Comment: This sequence change replaces glycine, which is neutral and non-polar, with alanine, which is neutral and non-polar, at codon 1304 of the SZT2 protein (p.Gly1304Ala). This variant is present in population databases (rs368917857, gnomAD 0.01%). This variant has not been reported in the literature in individuals affected with SZT2-related conditions. ClinVar contains an entry for this variant (Variation ID: 1040562). Advanced modeling of protein sequence and biophysical properties (such as structural, functional, and spatial information, amino acid conservation, physicochemical variation, residue mobility, and thermodynamic stability) performed at Invitae indicates that this missense variant is not expected to disrupt SZT2 protein function with a negative predictive value of 80%. In summary, the available evidence is currently insufficient to determine the role of this variant in disease. Therefore, it has been classified as a Variant of Uncertain Significance.

Genome-Nilou Lab
Classification: Uncertain significance for Developmental and epileptic encephalopathy, 18. Last evaluated: 2023-04-11. Review status: criteria provided, single submitter. Criteria: ACMG Guidelines, 2015. Collection method: clinical testing. Allele origin: germline. Affected: no.